The following is an entry in ClinVar:

NM_024675.4(PALB2):c.1529_1535del (p.Arg510fs)

Gene: PALB2 (partner and localizer of BRCA2; minus strand). Cytogenetic location: 16p12.2.
Variant type: Deletion.
Coding change: c.1529_1535del on transcript NM_024675.4 (MANE Select); coding-DNA positions 1529 to 1535, 7 bases deleted (GAAGATA; older notation c.1529_1535delGAAGATA).
Protein change: p.Arg510fs; shifts the reading frame from arginine 510.
Molecular consequence: frameshift variant. On other transcripts: intron variant (3).
Genome position (GRCh38, 1-based): chr16:23,635,011-23,635,017, TATCTTC deleted on the plus strand (GAAGATA on the coding strand, the reverse complement: PALB2 is on the minus strand); deleting any 7 consecutive bases within chr16:23,635,011-23,635,019 gives the same sequence; the c. name uses the placement nearest the transcript's 3' end. VCF-style (leftmost placement, unchanged base first): chr16-23635010-GTATCTTC-G. GRCh37 (hg19) VCF-style: chr16-23646331-GTATCTTC-G.
Other names: c.1469_1475del, p.Arg490fs (NM_001407296.1); c.1529_1535del, p.Arg510fs (NM_001407297.1, NM_001407298.1, NM_001407299.1 and 3 more transcripts); c.644_650del, p.Arg215fs (NM_001407304.1, NM_001407305.1, NM_001407306.1 and 5 more transcripts); c.49-5742_49-5736del (NM_001407314.1); c.-104-4548_-104-4542del (NM_001407313.1, NM_001407312.1); short protein forms R215fs, R490fs, R510fs.
Identifiers: ClinVar variation 2824914 (VCV002824914.3), dbSNP rs2506474382, ClinGen allele CA2739266682.

ClinVar aggregate classification (germline): Pathogenic (1 of 4 stars; one submission).

Conditions:
Familial cancer of breast. Also called: Hereditary breast cancer; BREAST CANCER, FAMILIAL; hereditary breast carcinoma. Identifiers: Orphanet 227535, MedGen C0346153, MONDO:0016419, OMIM 114480. Disease mechanism: loss of function.

Submission:

Labcorp Genetics (formerly Invitae), Labcorp
Classification: Pathogenic for Familial cancer of breast. Last evaluated: 2022-12-30. Review status: criteria provided, single submitter. Criteria: Invitae Variant Classification Sherloc (09022015). Collection method: clinical testing. Allele origin: germline.
Comment: For these reasons, this variant has been classified as Pathogenic. This variant has not been reported in the literature in individuals affected with PALB2-related conditions. This variant is not present in population databases (gnomAD no frequency). This sequence change creates a premature translational stop signal (p.Arg510Thrfs*49) in the PALB2 gene. It is expected to result in an absent or disrupted protein product. Loss-of-function variants in PALB2 are known to be pathogenic (PMID: 17200668, 17200671, 17200672, 24136930, 25099575).

Literature cited by the submitters: PubMed 17200668; PubMed 17200671; PubMed 17200672; PubMed 24136930; PubMed 25099575.